The following is an entry in ClinVar:

NM_000051.4(ATM):c.1228_1229insCGCCT (p.Val410fs)

Gene: ATM (ATM serine/threonine kinase; plus strand). Cytogenetic location: 11q22.3.
Variant type: Insertion.
Coding change: c.1228_1229insCGCCT on transcript NM_000051.4 (MANE Select); coding-DNA positions 1228 to 1229, CGCCT inserted.
Protein change: p.Val410fs; shifts the reading frame from valine 410.
Molecular consequence: frameshift variant.
Genome position: GRCh38 VCF-style: chr11-108249095-G-GCGCCT. GRCh37 (hg19) VCF-style: chr11-108119822-G-GCGCCT.
Other names: c.1228_1229insCGCCT, p.Val410fs (NM_001351834.2); short protein forms V410fs.
Identifiers: ClinVar variation 1754715 (VCV001754715.2), dbSNP rs2497214054, ClinGen allele CA2580083761.

ClinVar aggregate classification (germline): Pathogenic (1 of 4 stars; one submission).

Conditions:
Hereditary cancer-predisposing syndrome. Also called: Neoplastic Syndromes, Hereditary; Tumor predisposition; Hereditary Cancer Syndrome; Hereditary neoplastic syndrome. Identifiers: Orphanet 140162, MedGen C0027672, MeSH D009386, MONDO:0015356.

Submission:

Ambry Genetics
Classification: Pathogenic for Hereditary cancer-predisposing syndrome. Last evaluated: 2019-01-07. Review status: criteria provided, single submitter. Criteria: Ambry Variant Classification Scheme 2023. Collection method: clinical testing. Allele origin: germline.
Comment: The c.1228_1229insCGCCT pathogenic mutation, located in coding exon 8 of the ATM gene, results from an insertion of 5 nucleotides at position 1228, causing a translational frameshift with a predicted alternate stop codon (p.V410Afs*12). This alteration is expected to result in loss of function by premature protein truncation or nonsense-mediated mRNA decay. As such, this alteration is interpreted as a disease-causing mutation.